The following is an entry in ClinVar:

ClinVar aggregate classification (germline): Pathogenic. Review status: criteria provided, multiple submitters, no conflicts (2 of 4 stars). 2 submissions from 2 submitters: Pathogenic (2). Last evaluated 2025-06-11.

gnomAD v4.1: 2 of 1,610,784 alleles (0.00012%); highest among the groups gnomAD compares: Admixed American, 0.0033%; no homozygotes.

Submissions (2):

Labcorp Genetics (formerly Invitae), Labcorp
Classification: Pathogenic. Last evaluated: 2025-06-11. Review status: criteria provided, single submitter. Criteria: Invitae Variant Classification Sherloc (09022015). Collection method: clinical testing. Allele origin: germline.
Comment: This sequence change creates a premature translational stop signal (p.Gly257*) in the PEPD gene. It is expected to result in an absent or disrupted protein product. Loss-of-function variants in PEPD are known to be pathogenic (PMID: 8198124, 10721675, 12384772, 17142620). The frequency data for this variant in the population databases is considered unreliable, as metrics indicate poor data quality at this position in the gnomAD database. This premature translational stop signal has been observed in individual(s) with prolidase deficiency (PMID: 34888915). ClinVar contains an entry for this variant (Variation ID: 2580569). For these reasons, this variant has been classified as Pathogenic.

GeneDx
Classification: Pathogenic. Last evaluated: 2025-01-06. Review status: criteria provided, single submitter. Criteria: GeneDx Variant Classification Process June 2021. Collection method: clinical testing. Allele origin: germline.
Comment: Nonsense variant predicted to result in protein truncation or nonsense mediated decay in a gene for which loss of function is a known mechanism of disease; Not observed at significant frequency in large population cohorts (gnomAD); This variant is associated with the following publications: (PMID: 34888915)

Literature cited by the submitters: PubMed 8198124 (cited by Labcorp Genetics (formerly Invitae), Labcorp); PubMed 10721675 (cited by Labcorp Genetics (formerly Invitae), Labcorp); PubMed 12384772 (cited by Labcorp Genetics (formerly Invitae), Labcorp); PubMed 17142620 (cited by Labcorp Genetics (formerly Invitae), Labcorp); PubMed 34888915 (cited by Labcorp Genetics (formerly Invitae), Labcorp).

NM_000285.4(PEPD):c.769G>T (p.Gly257Ter)

Gene: PEPD (peptidase D; minus strand). Cytogenetic location: 19q13.11.
Variant type: single nucleotide variant.
Coding change: c.769G>T on transcript NM_000285.4 (MANE Select); coding-DNA position 769, G replaced by T.
Protein change: p.Gly257Ter; replaces glycine 257 with a stop codon.
Molecular consequence: nonsense.
Genome position (GRCh38, 1-based): chr19:33,411,721, C>A on the plus strand (G>T on the coding strand, the complement: PEPD is on the minus strand). VCF-style: chr19-33411721-C-A. GRCh37 (hg19) VCF-style: chr19-33902627-C-A.
Other names: p.(Gly257Ter); c.646G>T, p.Gly216Ter (NM_001166056.2); c.577G>T, p.Gly193Ter (NM_001166057.2); short protein forms G193*, G216*, G257*.
Identifiers: ClinVar variation 2580569 (VCV002580569.3), dbSNP rs755947485, ClinGen allele CA405226286.
Genomic context (GRCh38, chr19:33,411,721, plus strand): 5'-GCCCTACTTACCACATATCCCCATTCTGGATCGTTCGGTCGTTGGGAGCTCCGGCGTGTC[C>A]GTAGTGTAGCACGGCTGAGTTCTCACCACTGCAAAGAGCCGGGGGAGGGTGATCAAAGCC-3'